The following is an entry in ClinVar:

ClinVar aggregate classification (germline): Uncertain significance. Review status: reviewed by expert panel (3 of 4 stars). 2 submissions from 2 submitters: Uncertain significance (1). 1 of the submissions does not count toward it. Last evaluated 2024-09-16.

Conditions:
Hereditary thrombocytopenia and hematologic cancer predisposition syndrome. Identifiers: Orphanet 71290, MedGen CN281654, MONDO:0011071.
Hereditary thrombocytopenia and hematological cancer predisposition syndrome associated with RUNX1. Also called: Familial Platelet Disorder with Propensity to Acute Myelogenous Leukemia; Familial thrombocytopenia with propensity to acute myelogenous leukemia; PLATELET DISORDER, ASPIRIN-LIKE; RUNX1 Familial Platelet Disorder with Associated Myeloid Malignancies. Identifiers: Orphanet 71290, MedGen C1832388, MeSH C563324, MONDO:0100083, OMIM 601399.

Submissions (2):

ClinGen Myeloid Malignancy Variant Curation Expert Panel
Classification: Uncertain significance for Hereditary thrombocytopenia and hematologic cancer predisposition syndrome. Last evaluated: 2024-09-16. Review status: reviewed by expert panel. Criteria: ClinGen MyeloMalig ACMG Specifications v2. Collection method: curation. Allele origin: germline. Inheritance: Autosomal dominant inheritance.
Comment: NM_001754.5(RUNX1):c.1321_1322delinsTG (p.Leu441Trp) is a variant which results in a missense change. This variant is completely absent from all population databases with at least 20x coverage for RUNX1 (PM2_Supporting). In summary, the clinical significance of this variant is uncertain. ACMG/AMP criteria applied, as specified by the Myeloid Malignancy Variant Curation Expert Panel for RUNX1: PM2_supporting.

Labcorp Genetics (formerly Invitae), Labcorp
Classification: Uncertain significance for Hereditary thrombocytopenia and hematological cancer predisposition syndrome associated with RUNX1. Last evaluated: 2023-06-19. Review status: criteria provided, single submitter. Criteria: Invitae Variant Classification Sherloc (09022015). Collection method: clinical testing. Allele origin: germline. Not counted in ClinVar's aggregate classification.
Comment: In summary, the available evidence is currently insufficient to determine the role of this variant in disease. Therefore, it has been classified as a Variant of Uncertain Significance. An algorithm developed to predict the effect of missense changes on protein structure and function (PolyPhen-2) suggests that this variant is likely to be disruptive. This variant has not been reported in the literature in individuals affected with RUNX1-related conditions. Information on the frequency of this variant in the gnomAD database is not available, as this variant may be reported differently in the database. This sequence change replaces leucine, which is neutral and non-polar, with tryptophan, which is neutral and slightly polar, at codon 441 of the RUNX1 protein (p.Leu441Trp).

NM_001754.5(RUNX1):c.1321_1322delinsTG (p.Leu441Trp)

Gene: RUNX1 (RUNX family transcription factor 1; minus strand). Cytogenetic location: 21q22.12.
Variant type: Indel.
Coding change: c.1321_1322delinsTG on transcript NM_001754.5 (MANE Select); coding-DNA positions 1321 to 1322, CT replaced by TG.
Protein change: p.Leu441Trp; replaces leucine 441 with tryptophan.
Molecular consequence: missense variant.
Genome position (GRCh38, 1-based): chr21:34,792,256-34,792,257, AG replaced by CA on the plus strand (CT replaced by TG on the coding strand, the reverse complement: RUNX1 is on the minus strand). VCF-style: chr21-34792256-AG-CA. GRCh37 (hg19) VCF-style: chr21-36164553-AG-CA.
Other names: NM_001754.5(RUNX1):c.1321_1322delinsTG; p.Leu441Trp; c.1240_1241delinsTG, p.Leu414Trp (NM_001001890.3); short protein forms L414W, L441W.
Identifiers: ClinVar variation 2719217 (VCV002719217.4), dbSNP rs2516814993, ClinGen allele CA2697547488.